The following is an entry in ClinVar:

ClinVar aggregate classification (germline): Pathogenic (1 of 4 stars; one submission).

Conditions:
Neurofibromatosis, type 1 (NF1). Also called: Neurofibromatosis, type I; Peripheral type neurofibromatosis; VON RECKLINGHAUSEN DISEASE; NEUROFIBROMATOSIS, TYPE I, SOMATIC. Identifiers: Orphanet 636, MedGen C0027831, MONDO:0018975, OMIM 162200. Disease mechanism: loss of function.

Submission:

Labcorp Genetics (formerly Invitae), Labcorp
Classification: Pathogenic for Neurofibromatosis, type 1. Last evaluated: 2022-08-21. Review status: criteria provided, single submitter. Criteria: Invitae Variant Classification Sherloc (09022015). Collection method: clinical testing. Allele origin: germline.
Comment: For these reasons, this variant has been classified as Pathogenic. This variant has not been reported in the literature in individuals affected with NF1-related conditions. This variant is not present in population databases (gnomAD no frequency). This sequence change creates a premature translational stop signal (p.Phe1642Leufs*34) in the NF1 gene. It is expected to result in an absent or disrupted protein product. Loss-of-function variants in NF1 are known to be pathogenic (PMID: 10712197, 23913538).

Literature cited by the submitters: PubMed 10712197; PubMed 23913538.

NM_001042492.3(NF1):c.4989_4992del (p.Phe1663fs)

Gene: NF1 (neurofibromin 1; plus strand). Cytogenetic location: 17q11.2.
Variant type: Deletion.
Coding change: c.4989_4992del on transcript NM_001042492.3 (MANE Select); coding-DNA positions 4989 to 4992, 4 bases deleted (TGTT; older notation c.4989_4992delTGTT).
Protein change: p.Phe1663fs; shifts the reading frame from phenylalanine 1663.
Molecular consequence: frameshift variant.
Genome position (GRCh38, 1-based): chr17:31,325,973-31,325,976, TGTT deleted; deleting any 4 consecutive bases within chr17:31,325,970-31,325,976 gives the same sequence; the c. name uses the placement nearest the transcript's 3' end. VCF-style (leftmost placement, unchanged base first): chr17-31325969-GGTTT-G. GRCh37 (hg19) VCF-style: chr17-29652987-GGTTT-G.
Other names: c.4926_4929delTGTT, p.Phe1642Leufs (NM_000267.4); short protein forms F1642fs, F1663fs.
Identifiers: ClinVar variation 2007801 (VCV002007801.4), dbSNP rs2508695819, ClinGen allele CA2580092983.